The following is an entry in ClinVar:

ClinVar aggregate classification (germline): Uncertain significance (1 of 4 stars; one submission).

Submission:

GeneDx
Classification: Uncertain significance. Last evaluated: 2026-02-09. Review status: criteria provided, single submitter. Criteria: GeneDx Variant Classification Process June 2021. Collection method: clinical testing. Allele origin: germline. Affected: yes.
Comment: Not observed at significant frequency in large population cohorts (gnomAD); In silico analysis supports that this missense variant has a deleterious effect on protein structure/function; Has not been previously published as pathogenic or benign to our knowledge

NM_001009944.3(PKD1):c.9089T>G (p.Leu3030Arg)

Gene: PKD1 (polycystin 1, transient receptor potential channel interacting; minus strand). Cytogenetic location: 16p13.3.
Variant type: single nucleotide variant.
Coding change: c.9089T>G on transcript NM_001009944.3 (MANE Select); coding-DNA position 9089, T replaced by G.
Protein change: p.Leu3030Arg; replaces leucine 3030 with arginine.
Molecular consequence: missense variant.
Genome position (GRCh38, 1-based): chr16:2,102,493, A>C on the plus strand (T>G on the coding strand, the complement: PKD1 is on the minus strand). VCF-style: chr16-2102493-A-C. GRCh37 (hg19) VCF-style: chr16-2152494-A-C.
Other names: c.9089T>G, p.Leu3030Arg (NM_000296.4); short protein forms L3030R.
Identifiers: ClinVar variation 1710713 (VCV001710713.3), dbSNP rs2544733206, ClinGen allele CA394359290.